The following is an entry in ClinVar:

ClinVar aggregate classification (germline): Uncertain significance (1 of 4 stars; one submission).

Conditions:
Intellectual disability, autosomal dominant 14 (CSS2). Also called: COFFIN-SIRIS SYNDROME 2. Identifiers: Orphanet 1465, MedGen C3553247, MONDO:0013819, OMIM 614607.

Submission:

Juno Genomics, Hangzhou Juno Genomics, Inc
Classification: Uncertain significance for Intellectual disability, autosomal dominant 14. Review status: criteria provided, single submitter. Criteria: ACMG Guidelines, 2015. Collection method: clinical testing. Allele origin: germline.
Comment: Absent from controls (or at extremely low frequency if recessive) in Genome Aggregation Database.;Protein length changes due to in-frame deletions/insertions in a non-repeat region or stop-loss variants.

NM_006015.6(ARID1A):c.1436AGC[3] (p.Gln482del)

Gene: ARID1A (AT-rich interaction domain 1A; plus strand). Cytogenetic location: 1p36.11.
Variant type: Microsatellite.
Coding change: c.1436AGC[3] on transcript NM_006015.6 (MANE Select); three copies in a row of the 3-base unit AGC starting at c.1436; the reference has four copies in a row; one copy, 3 bases deleted; also written c.1445_1447del.
Protein change: p.Gln482del; deletes glutamine 482.
Molecular consequence: inframe deletion.
Genome position (GRCh38, 1-based): chr1:26,731,246-26,731,248, AGC deleted; deleting any 3 consecutive bases within chr1:26,731,236-26,731,248 gives the same sequence; the position shown is the placement nearest the transcript's 3' end. VCF-style (leftmost placement, unchanged base first): chr1-26731235-TCAG-T. GRCh37 (hg19) VCF-style: chr1-27057726-TCAG-T.
Other names: c.1445_1447del (NM_006015.6); c.1436AGC[3], p.Gln482del (NM_139135.4); short protein forms Q482del.
Identifiers: ClinVar variation 5006473 (VCV005006473.2).